The following is an entry in ClinVar:

ClinVar aggregate classification (germline): Pathogenic (1 of 4 stars; one submission).

gnomAD v4.1: 1 of 1,607,878 alleles (0.000062%); highest among the groups gnomAD compares: Non-Finnish European, 0.000085%; no homozygotes.

Submission:

GeneDx
Classification: Pathogenic. Last evaluated: 2021-02-26. Review status: criteria provided, single submitter. Criteria: GeneDx Variant Classification Process June 2021. Collection method: clinical testing. Allele origin: germline. Affected: yes.
Comment: Nonsense variant predicted to result in protein truncation or nonsense mediated decay in a gene for which loss-of-function is a known mechanism of disease; Not observed in large population cohorts (Lek et al., 2016); Has not been previously published as pathogenic or benign to our knowledge

NM_001009944.3(PKD1):c.8823C>G (p.Tyr2941Ter)

Gene: PKD1 (polycystin 1, transient receptor potential channel interacting; minus strand). Cytogenetic location: 16p13.3.
Variant type: single nucleotide variant.
Coding change: c.8823C>G on transcript NM_001009944.3 (MANE Select); coding-DNA position 8823, C replaced by G.
Protein change: p.Tyr2941Ter; replaces tyrosine 2941 with a stop codon.
Molecular consequence: nonsense.
Genome position (GRCh38, 1-based): chr16:2,102,939, G>C on the plus strand (C>G on the coding strand, the complement: PKD1 is on the minus strand). VCF-style: chr16-2102939-G-C. GRCh37 (hg19) VCF-style: chr16-2152940-G-C.
Other names: c.8823C>G, p.Tyr2941Ter (NM_000296.4); short protein forms Y2941*.
Identifiers: ClinVar variation 1254656 (VCV001254656.2), dbSNP rs780322906, ClinGen allele CA394361777.